The following is an entry in ClinVar:

ClinVar aggregate classification (germline): Conflicting classifications of pathogenicity. Review status: criteria provided, conflicting classifications (1 of 4 stars). 22 submissions from 19 submitters: Uncertain significance (1); Benign (13); Likely benign (3). 5 of the submissions do not count toward it. Last evaluated 2026-06-01.

Conditions:
Autoinflammatory syndrome. Identifiers: Orphanet 93665, MedGen C3890737, MONDO:0019751.
Cryopyrin associated periodic syndrome (CAPS). Identifiers: Orphanet 208650, MedGen C2316212, MONDO:0016168.
Familial cold autoinflammatory syndrome 1 (FCAS1). Also called: CRYOPYRIN-ASSOCIATED PERIODIC SYNDROME 1; Familial cold inflammatory syndrome 1. Identifiers: Orphanet 47045, MedGen C4551895, MONDO:0007349, OMIM 120100.
Familial amyloid nephropathy with urticaria AND deafness (MWS). Also called: CRYOPYRIN-ASSOCIATED PERIODIC SYNDROME 2; UDA SYNDROME; URTICARIA-DEAFNESS-AMYLOIDOSIS SYNDROME; Urticaria, deafness and amyloidosis; MUCKLE-WELLS SYNDROME. Identifiers: Orphanet 575, MedGen C0268390, MONDO:0008633, OMIM 191900.
Chronic infantile neurological, cutaneous and articular syndrome (CINCA). Also called: CRYOPYRIN-ASSOCIATED PERIODIC SYNDROME 3; CHRONIC NEUROLOGIC CUTANEOUS AND ARTICULAR SYNDROME; Prieur Griscelli syndrome; CINCA syndrome. Identifiers: Orphanet 1451, MedGen C0409818, MONDO:0011776, OMIM 607115.
Focal segmental glomerulosclerosis (FSGS). Also called: Glomerulosclerosis, focal; Focal sclerosis with hyalinosis. Identifiers: MedGen C0017668, MONDO:0100313, HP:0000097. Disease mechanism: loss of function.

Allele frequency attached by ClinVar (database versions not stated): 1000 Genomes Project 0.02236; TOPMed 0.03027; gnomAD 0.03262; ESP Exome Variant Server 0.03483; gnomAD exomes 0.03913 and 0.04454; ExAC 0.04095; 1000 Genomes Project 30x 0.02202.
gnomAD v4.1: 69,754 of 1,611,524 alleles (4.3%); highest among the groups gnomAD compares: Middle Eastern, 5.6%; 1,736 homozygotes.

Submissions 1 to 23 of 55:

CeGaT Center for Human Genetics Tuebingen
Classification: Benign. Last evaluated: 2026-06-01. Review status: criteria provided, single submitter. Criteria: CeGaT Center For Human Genetics Tuebingen Variant Classification Criteria Version 2. Collection method: clinical testing. Allele origin: germline. Affected: yes. Observed: 8 variant alleles.
Comment: NLRP3: BP4, BS1, BS2

Labcorp Genetics (formerly Invitae), Labcorp
Classification: Benign for Cryopyrin associated periodic syndrome. Last evaluated: 2026-02-04. Review status: criteria provided, single submitter. Criteria: Invitae Variant Classification Sherloc (09022015). Collection method: clinical testing. Allele origin: germline.

Women's Health and Genetics/Laboratory Corporation of America, LabCorp
Classification: Likely benign. Last evaluated: 2026-01-21. Review status: criteria provided, single submitter. Criteria: LabCorp Variant Classification Summary - May 2015. Collection method: clinical testing. Allele origin: germline.

Genomic Medicine Center of Excellence, King Faisal Specialist Hospital and Research Centre
Classification: Likely benign for Familial cold autoinflammatory syndrome 1. Last evaluated: 2025-07-30. Review status: criteria provided, single submitter. Criteria: ACMG Guidelines, 2015. Collection method: clinical testing. Allele origin: germline.

ARUP Laboratories, Molecular Genetics and Genomics, ARUP Laboratories
Classification: Benign. Last evaluated: 2025-06-20. Review status: criteria provided, single submitter. Criteria: ARUP Molecular Germline Variant Investigation Process 2024. Collection method: clinical testing. Allele origin: germline.

Blueprint Genetics
Classification: Likely benign. Last evaluated: 2024-11-26. Review status: criteria provided, single submitter. Criteria: ACMG Guidelines, 2015. Collection method: clinical testing. Allele origin: germline.

Mayo Clinic Laboratories, Mayo Clinic
Classification: Benign. Last evaluated: 2023-08-11. Review status: criteria provided, single submitter. Criteria: ACMG Guidelines, 2015. Collection method: clinical testing. Allele origin: germline. Observed: 110 variant alleles.
Comment: BA1, BS2, BP4

Genome Diagnostics Laboratory, The Hospital for Sick Children
Classification: Benign for Focal segmental glomerulosclerosis. Last evaluated: 2022-09-02. Review status: criteria provided, single submitter. Criteria: ACMG Guidelines, 2015. Collection method: clinical testing. Allele origin: germline.

Greenwood Genetic Center Diagnostic Laboratories, Greenwood Genetic Center
Classification: Uncertain significance. Last evaluated: 2022-06-01. Review status: criteria provided, single submitter. Criteria: ACMG Guidelines, 2015. Collection method: clinical testing. Allele origin: germline. Affected: yes.
Comment: PS3, BS1, BP4

Genome Diagnostics Laboratory, The Hospital for Sick Children
Classification: Benign for Autoinflammatory syndrome. Last evaluated: 2022-02-10. Review status: criteria provided, single submitter. Criteria: ACMG Guidelines, 2015. Collection method: clinical testing. Allele origin: germline. Affected: yes.

Laboratory for Molecular Medicine, Mass General Brigham Personalized Medicine
Classification: Benign. Last evaluated: 2019-01-22. Review status: criteria provided, single submitter. Criteria: LMM Criteria. Collection method: clinical testing. Allele origin: germline. Observed: 25 variant alleles.
Comment: The p.Gln705Lys variant in NLRP3 is classified as benign because it has been identified in 3.8% (10781/280716) of total chromosomes, including 266 homozygotes, by gnomAD. Although this variant has been reported in association with autoimmune or inflammatory conditions, several studies have shown equal frequency in cases and ethnically matched controls (Jenko 2016, Lidar 2017, Naselli 2016, Yang 2017). ACMG/AMP criteria: BA1.

GeneDx
Classification: Benign. Last evaluated: 2019-01-16. Review status: criteria provided, single submitter. Criteria: GeneDx Variant Classification Process June 2021. Collection method: clinical testing. Allele origin: germline. Affected: yes.
Comment: In silico analysis, which includes protein predictors and evolutionary conservation, supports that this variant does not alter protein structure/function; This variant is associated with the following publications: (PMID: 32477355, 26178285, 32199921, 22843550, 30245029, 29148409, 28638818, 28692792, 29977033, 29265930, 30140708, 29610014, 27576327, 29770580, 23215645, 29850521, 29230505, 22128899, 17509468, 22529966, 28028683, 26020059, 27036377, 27943647, 26848126, 27884173, 22403613, 22995991, 20182451, 25596455, 22935299, 18311798, 21245836, 19319132, 20981092, 29097263, 29500522, 30447690, 30536174)

Athena Diagnostics
Classification: Benign. Last evaluated: 2018-12-31. Review status: criteria provided, single submitter. Criteria: Athena Diagnostics Criteria. Collection method: clinical testing. Allele origin: germline.

Illumina Laboratory Services, Illumina
Classification: Benign for Familial cold autoinflammatory syndrome 1. Last evaluated: 2017-04-27. Review status: criteria provided, single submitter. Criteria: ICSL Variant Classification Criteria 13 December 2019. Collection method: clinical testing. Allele origin: germline.
Comment: This variant was observed as part of a predisposition screen in an ostensibly healthy population. A literature search was performed for the gene, cDNA change, and amino acid change (where applicable). Publications were found based on this search. The evidence from the literature, in combination with allele frequency data from public databases where available, was sufficient to rule this variant out of causing disease. Therefore, this variant is classified as benign.

Illumina Laboratory Services, Illumina
Classification: Benign for Chronic infantile neurological, cutaneous and articular syndrome. Last evaluated: 2017-04-27. Review status: criteria provided, single submitter. Criteria: ICSL Variant Classification Criteria 13 December 2019. Collection method: clinical testing. Allele origin: germline.
Comment: This variant was observed as part of a predisposition screen in an ostensibly healthy population. A literature search was performed for the gene, cDNA change, and amino acid change (where applicable). No publications were found based on this search. Allele frequency data from public databases was too high to be consistent with this variant causing disease. Therefore, this variant is classified as benign.

Illumina Laboratory Services, Illumina
Classification: Benign for Familial amyloid nephropathy with urticaria AND deafness. Last evaluated: 2017-04-27. Review status: criteria provided, single submitter. Criteria: ICSL Variant Classification Criteria 13 December 2019. Collection method: clinical testing. Allele origin: germline.
Comment: the same text as in the submission from Illumina Laboratory Services, Illumina above.

PreventionGenetics, part of Exact Sciences
Classification: Benign. Review status: criteria provided, single submitter. Criteria: ACMG Guidelines, 2015. Collection method: clinical testing. Allele origin: germline.

Clinical Genetics DNA and cytogenetics Diagnostics Lab, Erasmus MC, Erasmus Medical Center
Classification: Benign. Review status: no assertion criteria provided. Collection method: clinical testing. Allele origin: germline. Affected: yes. Study: VKGL Data-share Consensus. Not counted in ClinVar's aggregate classification.

Diagnostic Laboratory, Department of Genetics, University Medical Center Groningen
Classification: Benign. Review status: no assertion criteria provided. Collection method: clinical testing. Allele origin: germline. Affected: yes. Study: VKGL Data-share Consensus. Not counted in ClinVar's aggregate classification.

Dr. Peter K. Rogan Lab, Western University
No classification provided (evidence only). Condition: Melanoma. Review status: no classification provided. Collection method: in vitro. Allele origin: not applicable. Functional consequence: retained intron. Not counted in ClinVar's aggregate classification.

Dr. Peter K. Rogan Lab, Western University
No classification provided (evidence only). Condition: Melanoma. Review status: no classification provided. Collection method: in vitro. Allele origin: not applicable. Functional consequence: retained intron. Not counted in ClinVar's aggregate classification.

Dr. Peter K. Rogan Lab, Western University
No classification provided (evidence only). Condition: Acute myeloid leukemia. Review status: no classification provided. Collection method: in vitro. Allele origin: not applicable. Functional consequence: retained intron. Not counted in ClinVar's aggregate classification.

Dr. Peter K. Rogan Lab, Western University
No classification provided (evidence only). Condition: Acute myeloid leukemia. Review status: no classification provided. Collection method: in vitro. Allele origin: not applicable. Functional consequence: retained intron. Not counted in ClinVar's aggregate classification.

NM_001243133.2(NLRP3):c.2107C>A (p.Gln703Lys)

Gene: NLRP3 (NLR family pyrin domain containing 3; plus strand). Cytogenetic location: 1q44.
Variant type: single nucleotide variant.
Coding change: c.2107C>A on transcript NM_001243133.2 (MANE Select); coding-DNA position 2107, C replaced by A.
Protein change: p.Gln703Lys; replaces glutamine 703 with lysine.
Molecular consequence: missense variant.
Genome position (GRCh38, 1-based): chr1:247,425,556, C>A. VCF-style: chr1-247425556-C-A. GRCh37 (hg19) VCF-style: chr1-247588858-C-A.
Other names: c.2107C>A, p.Gln703Lys (NM_001079821.3, NM_001127461.3, NM_001127462.3 and 1 more transcripts); c.2113C>A, p.Gln705Lys (NM_004895.5); short protein forms Q705K, Q703K.
Identifiers: ClinVar variation 259561 (VCV000259561.92), dbSNP rs35829419, ClinGen allele CA1495112.